The following is an entry in ClinVar:

NM_030912.3(TRIM8):c.313_315del (p.Lys105del)

Gene: TRIM8 (tripartite motif containing 8; plus strand). Cytogenetic location: 10q24.32.
Variant type: Deletion.
Coding change: c.313_315del on transcript NM_030912.3 (MANE Select); coding-DNA positions 313 to 315, 3 bases deleted (AAG; older notation c.313_315delAAG).
Protein change: p.Lys105del; deletes lysine 105.
Molecular consequence: inframe deletion. On other transcripts: non-coding transcript variant (1).
Genome position (GRCh38, 1-based): chr10:102,644,930-102,644,932, AAG deleted; deleting any 3 consecutive bases within chr10:102,644,928-102,644,932 gives the same sequence; the c. name uses the placement nearest the transcript's 3' end. VCF-style (leftmost placement, unchanged base first): chr10-102644927-CAGA-C. GRCh37 (hg19) VCF-style: chr10-104404684-CAGA-C.
Other names: c.313_315del, p.Lys105del (NM_001345950.1); short protein forms K105del.
Identifiers: ClinVar variation 2442782 (VCV002442782.1), dbSNP rs2492887923, ClinGen allele CA2574653710.

ClinVar aggregate classification (germline): Uncertain significance (1 of 4 stars; one submission).

Submission:

GeneDx
Classification: Uncertain significance. Last evaluated: 2022-09-07. Review status: criteria provided, single submitter. Criteria: GeneDx Variant Classification Process June 2021. Collection method: clinical testing. Allele origin: germline. Affected: yes.
Comment: Has not been previously published as pathogenic or benign to our knowledge; In-frame deletion of 1 amino acid in a non-repeat region; In silico analysis supports a deleterious effect on protein structure/function; Not observed at significant frequency in large population cohorts (gnomAD)